The following is an entry in ClinVar:

NM_002857.4(PEX19):c.842A>G (p.Asp281Gly)

Gene: PEX19 (peroxisomal biogenesis factor 19; minus strand). Cytogenetic location: 1q23.2.
Variant type: single nucleotide variant.
Coding change: c.842A>G on transcript NM_002857.4 (MANE Select); coding-DNA position 842, A replaced by G.
Protein change: p.Asp281Gly; replaces aspartic acid 281 with glycine.
Molecular consequence: missense variant. On other transcripts: non-coding transcript variant (2), intron variant (1).
Genome position (GRCh38, 1-based): chr1:160,279,609, T>C on the plus strand (A>G on the coding strand, the complement: PEX19 is on the minus strand). VCF-style: chr1-160279609-T-C. GRCh37 (hg19) VCF-style: chr1-160249399-T-C.
Other names: c.817-27A>G (NM_001193644.1); short protein forms D281G.
Identifiers: ClinVar variation 1055283 (VCV001055283.9), dbSNP rs2101799102, ClinGen allele CA343255660.

ClinVar aggregate classification (germline): Uncertain significance (1 of 4 stars; one submission).

Conditions:
Peroxisome biogenesis disorder 12A (Zellweger). Also called: Peroxisome biogenesis disorder 12A. Identifiers: Orphanet 912, MedGen C3554002, MONDO:0013951, OMIM 614886.

Allele frequency attached by ClinVar (database versions not stated): gnomAD exomes below 0.00001.
gnomAD v4.1: 1 of 1,614,174 alleles (0.000062%); highest among the groups gnomAD compares: Non-Finnish European, 0.000085%; no homozygotes.

Submission:

Labcorp Genetics (formerly Invitae), Labcorp
Classification: Uncertain significance for Peroxisome biogenesis disorder 12A (Zellweger). Last evaluated: 2020-03-02. Review status: criteria provided, single submitter. Criteria: Invitae Variant Classification Sherloc (09022015). Collection method: clinical testing. Allele origin: germline.
Comment: This variant is not present in population databases (ExAC no frequency). This variant has not been reported in the literature in individuals with PEX19-related conditions. Algorithms developed to predict the effect of missense changes on protein structure and function are either unavailable or do not agree on the potential impact of this missense change (SIFT: "Tolerated"; PolyPhen-2: "Possibly Damaging"; Align-GVGD: "Class C0"). In summary, the available evidence is currently insufficient to determine the role of this variant in disease. Therefore, it has been classified as a Variant of Uncertain Significance. This sequence change replaces aspartic acid with glycine at codon 281 of the PEX19 protein (p.Asp281Gly). The aspartic acid residue is moderately conserved and there is a moderate physicochemical difference between aspartic acid and glycine.